The following is an entry in ClinVar:

ClinVar aggregate classification (germline): Uncertain significance. Review status: criteria provided, multiple submitters, no conflicts (2 of 4 stars). 2 submissions from 2 submitters: Uncertain significance (2). Last evaluated 2025-01-21.

Conditions:
Intellectual developmental disorder, autosomal recessive 68. Also called: MENTAL RETARDATION, AUTOSOMAL RECESSIVE 68. Identifiers: MedGen C4749033, MONDO:0032665, OMIM 618302.
Inborn genetic diseases. Identifiers: MedGen C0950123, MeSH D030342.

Allele frequency attached by ClinVar (database versions not stated): TOPMed 0.00001.

Submissions (2):

Ambry Genetics
Classification: Uncertain significance for Inborn genetic diseases. Last evaluated: 2025-01-21. Review status: criteria provided, single submitter. Criteria: Ambry Variant Classification Scheme 2023. Collection method: clinical testing. Allele origin: germline.

Baylor Genetics
Classification: Uncertain significance for Intellectual developmental disorder, autosomal recessive 68. Last evaluated: 2019-11-27. Review status: criteria provided, single submitter. Criteria: ACMG Guidelines, 2015. Collection method: clinical testing. Allele origin: unknown. Affected: yes.
Comment: This variant was determined to be of uncertain significance according to ACMG Guidelines, 2015 [PMID:25741868].

NM_001136035.4(TRMT1):c.1078G>A (p.Gly360Ser)

Gene: TRMT1 (tRNA methyltransferase 1; minus strand). Cytogenetic location: 19p13.13.
Variant type: single nucleotide variant.
Coding change: c.1078G>A on transcript NM_001136035.4 (MANE Select); coding-DNA position 1078, G replaced by A.
Protein change: p.Gly360Ser; replaces glycine 360 with serine.
Molecular consequence: missense variant. On other transcripts: intron variant (2).
Genome position (GRCh38, 1-based): chr19:13,109,943, C>T on the plus strand (G>A on the coding strand, the complement: TRMT1 is on the minus strand). VCF-style: chr19-13109943-C-T. GRCh37 (hg19) VCF-style: chr19-13220757-C-T.
Other names: c.970G>A, p.Gly324Ser (NM_001351761.2); c.295G>A, p.Gly99Ser (NM_001351762.2); c.1078G>A, p.Gly360Ser (NM_017722.5); c.1020-105G>A (NM_001351760.2, NM_001142554.3); c.1078G>A (NM_017722.3); short protein forms G99S, G324S, G360S.
Identifiers: ClinVar variation 1029138 (VCV001029138.4), dbSNP rs753225455, ClinGen allele CA9237788.